The following is an entry in ClinVar:

ClinVar aggregate classification (germline): Benign. Review status: criteria provided, multiple submitters, no conflicts (2 of 4 stars). 3 submissions from 3 submitters: Benign (3). Last evaluated 2026-09-01.

Allele frequency attached by ClinVar (database versions not stated): 1000 Genomes Project 0.00319; 1000 Genomes Project 30x 0.00359; ESP Exome Variant Server 0.00738; TOPMed 0.00757; gnomAD exomes 0.00878 and 0.01137; ExAC 0.00897; gnomAD 0.00965.
gnomAD v4.1: 17,750 of 1,614,184 alleles (1.1%); highest among the groups gnomAD compares: Non-Finnish European, 1.3%; 125 homozygotes.

Submissions (3):

CeGaT Center for Human Genetics Tuebingen
Classification: Benign. Last evaluated: 2026-09-01. Review status: criteria provided, single submitter. Criteria: CeGaT Center For Human Genetics Tuebingen Variant Classification Criteria Version 2. Collection method: clinical testing. Allele origin: germline. Affected: yes. Observed: 38 variant alleles.
Comment: CKAP2L: BP4, BS1, BS2

Labcorp Genetics (formerly Invitae), Labcorp
Classification: Benign. Last evaluated: 2026-01-21. Review status: criteria provided, single submitter. Criteria: Invitae Variant Classification Sherloc (09022015). Collection method: clinical testing. Allele origin: germline.

Breakthrough Genomics
Classification: Benign. Review status: criteria provided, single submitter. Criteria: ACMG Guidelines, 2015. Collection method: not provided. Allele origin: germline. Inheritance: Autosomal recessive inheritance. Affected: yes.

NM_152515.5(CKAP2L):c.2084G>A (p.Arg695Gln)

Genes: CKAP2L (cytoskeleton associated protein 2L; minus strand), NT5DC4 (5'-nucleotidase domain containing 4; plus strand). Cytogenetic location: 2q14.1.
Variant type: single nucleotide variant.
Coding change: c.2084G>A on transcript NM_152515.5 (MANE Select); coding-DNA position 2084, G replaced by A.
Protein change: p.Arg695Gln; replaces arginine 695 with glutamine.
Molecular consequence: missense variant. On other transcripts: non-coding transcript variant (1), 3 prime UTR variant (1), intron variant (1).
Genome position (GRCh38, 1-based): chr2:112,738,977, C>T on the plus strand (G>A on the coding strand, the complement: CKAP2L is on the minus strand). VCF-style: chr2-112738977-C-T. GRCh37 (hg19) VCF-style: chr2-113496554-C-T.
Other names: c.*41C>T (NM_001393655.1); c.1249-3435C>T (NM_001350494.2); c.1589G>A, p.Arg530Gln (NM_001304361.2); short protein forms R530Q, R695Q.
Identifiers: ClinVar variation 790255 (VCV000790255.39), dbSNP rs116342308, ClinGen allele CA1836468.
Genomic context (GRCh38, chr2:112,738,977, plus strand): 5'-TCAAGAGAAGCCACTACTAAATCGTGTTCCTGCAGCATTTCTGGGTAGCGGGACACTGCT[C>T]GCTCAATCCTCGACGAACGCCGTACAGGAGTGATAAATTTCATGTCTTGCACTTCCGGCA-3'
Protein context (NP_689728.3, residues 685-705): TPVRRSSRIE[Arg695Gln]AVSRYPEMLQ